The following is an entry in ClinVar:

ClinVar aggregate classification (germline): Likely pathogenic (1 of 4 stars; one submission).

Conditions:
Cohen syndrome (COH1). Also called: PEPPER SYNDROME; Cutis verticis gyrata, retinitis pigmentosa, and sensorineural deafness. Identifiers: Orphanet 193, MedGen C0265223, MONDO:0008999, OMIM 216550.

Submission:

Myriad Genetics, Inc.
Classification: Likely pathogenic for Cohen syndrome. Last evaluated: 2022-01-02. Review status: criteria provided, single submitter. Criteria: Myriad Women's Health Autosomal Recessive and X-Linked Classification Criteria (2021). Collection method: clinical testing. Allele origin: unknown.
Comment: NM_017890.4(VPS13B):c.1564G>T(E522*) is expected to be pathogenic in the context of Cohen syndrome. This variant is predicted to lead to an abnormal or absent protein product due to the creation of a premature termination codon in VPS13B, a gene where loss-of-function variants are known to be pathogenic. Please note: this variant was assessed in the context of healthy population screening.

NM_152564.5(VPS13B):c.1564G>T (p.Glu522Ter)

Gene: VPS13B (vacuolar protein sorting 13 homolog B; plus strand). Cytogenetic location: 8q22.2.
Variant type: single nucleotide variant.
Coding change: c.1564G>T on transcript NM_152564.5 (MANE Select); coding-DNA position 1564, G replaced by T.
Protein change: p.Glu522Ter; replaces glutamic acid 522 with a stop codon.
Molecular consequence: nonsense.
Genome position (GRCh38, 1-based): chr8:99,136,665, G>T. VCF-style: chr8-99136665-G-T. GRCh37 (hg19) VCF-style: chr8-100148893-G-T.
Other names: c.1564G>T, p.Glu522Ter (NM_015243.3, NM_017890.5); short protein forms E522*.
Identifiers: ClinVar variation 1726574 (VCV001726574.2), dbSNP rs2488765851, ClinGen allele CA371863415.